The following is an entry in ClinVar:

ClinVar aggregate classification (germline): Uncertain significance (1 of 4 stars; one submission).

Conditions:
Ogden syndrome (OGDNS). Also called: N-TERMINAL ACETYLTRANSFERASE DEFICIENCY. Identifiers: Orphanet 276432, MedGen C3275447, MONDO:0010457, OMIM 300855.

Submission:

3billion
Classification: Uncertain significance for Ogden syndrome. Last evaluated: 2022-05-22. Review status: criteria provided, single submitter. Criteria: ACMG Guidelines, 2015. Collection method: clinical testing. Allele origin: germline. Affected: yes. Observed: 1 hemizygote.
Comment: The variant is not observed in the gnomAD v2.1.1 dataset. Missense changes are a common disease-causing mechanism. In silico tool predictions suggest damaging effect of the variant on gene or gene product (REVEL: 0.63; 3Cnet: 0.98). Therefore, this variant is classified as uncertain significanceaccording to the recommendation of ACMG/AMP guideline.

NM_003491.4(NAA10):c.112T>G (p.Trp38Gly)

Gene: NAA10 (N-alpha-acetyltransferase 10, NatA catalytic subunit; minus strand). Cytogenetic location: Xq28.
Variant type: single nucleotide variant.
Coding change: c.112T>G on transcript NM_003491.4 (MANE Select); coding-DNA position 112, T replaced by G.
Protein change: p.Trp38Gly; replaces tryptophan 38 with glycine.
Molecular consequence: missense variant.
Genome position (GRCh38, 1-based): chrX:153,934,385, A>C on the plus strand (T>G on the coding strand, the complement: NAA10 is on the minus strand). VCF-style: chrX-153934385-A-C. GRCh37 (hg19) VCF-style: chrX-153199838-A-C.
Other names: c.112T>G, p.Trp38Gly (NM_001256119.2, NM_001256120.2); short protein forms W38G.
Identifiers: ClinVar variation 1687400 (VCV001687400.1), dbSNP rs2148536647, ClinGen allele CA415161771.